The following is an entry in ClinVar:

ClinVar aggregate classification (germline): Uncertain significance. Review status: criteria provided, multiple submitters, no conflicts (2 of 4 stars). 3 submissions from 3 submitters: Uncertain significance (3). Last evaluated 2024-12-12.

Conditions:
DONSON-related disorder. Also called: DONSON-related condition.
Inborn genetic diseases. Identifiers: MedGen C0950123, MeSH D030342.

Allele frequency attached by ClinVar (database versions not stated): gnomAD exomes below 0.00001 and 0.00001; ExAC 0.00001; TOPMed 0.00003; gnomAD 0.00004; ESP Exome Variant Server 0.00008.
gnomAD v4.1: 9 of 1,614,020 alleles (0.00056%); highest among the groups gnomAD compares: African/African-American, 0.0013%; no homozygotes.

Submissions (3):

PreventionGenetics, part of Exact Sciences
Classification: Uncertain significance for DONSON-related condition. Last evaluated: 2024-12-12. Review status: criteria provided, single submitter. Criteria: ACMG Guidelines, 2015. Collection method: clinical testing. Allele origin: germline.
Comment: The DONSON c.418T>C variant is predicted to result in the amino acid substitution p.Phe140Leu. To our knowledge, this variant has not been reported in the literature. This variant is reported in 0.0031% of alleles in individuals of European (Non-Finnish) descent in gnomAD. At this time, the clinical significance of this variant is uncertain due to the absence of conclusive functional and genetic evidence.

Ambry Genetics
Classification: Uncertain significance for Inborn genetic diseases. Last evaluated: 2023-08-08. Review status: criteria provided, single submitter. Criteria: Ambry Variant Classification Scheme 2023. Collection method: clinical testing. Allele origin: germline.

Labcorp Genetics (formerly Invitae), Labcorp
Classification: Uncertain significance. Last evaluated: 2022-06-08. Review status: criteria provided, single submitter. Criteria: Invitae Variant Classification Sherloc (09022015). Collection method: clinical testing. Allele origin: germline.
Comment: This sequence change replaces phenylalanine, which is neutral and non-polar, with leucine, which is neutral and non-polar, at codon 140 of the DONSON protein (p.Phe140Leu). This variant is present in population databases (rs371685464, gnomAD 0.003%). This variant has not been reported in the literature in individuals affected with DONSON-related conditions. Algorithms developed to predict the effect of missense changes on protein structure and function output the following: SIFT: "Tolerated"; PolyPhen-2: "Benign"; Align-GVGD: "Class C0". The leucine amino acid residue is found in multiple mammalian species, which suggests that this missense change does not adversely affect protein function. In summary, the available evidence is currently insufficient to determine the role of this variant in disease. Therefore, it has been classified as a Variant of Uncertain Significance.

NM_017613.4(DONSON):c.418T>C (p.Phe140Leu)

Gene: DONSON (DNA replication fork stabilization factor DONSON; minus strand). Cytogenetic location: 21q22.11.
Variant type: single nucleotide variant.
Coding change: c.418T>C on transcript NM_017613.4 (MANE Select); coding-DNA position 418, T replaced by C.
Protein change: p.Phe140Leu; replaces phenylalanine 140 with leucine.
Molecular consequence: missense variant.
Genome position (GRCh38, 1-based): chr21:33,586,166, A>G on the plus strand (T>C on the coding strand, the complement: DONSON is on the minus strand). VCF-style: chr21-33586166-A-G. GRCh37 (hg19) VCF-style: chr21-34958472-A-G.
Other names: c.418T>C (NM_017613.3, NM_017613.2); short protein forms F140L.
Identifiers: ClinVar variation 1391882 (VCV001391882.8), dbSNP rs371685464, ClinGen allele CA10010601.